The following is an entry in ClinVar:

NM_001080517.3(SETD5):c.3319G>A (p.Val1107Ile)

Gene: SETD5 (SET domain containing 5; plus strand). Cytogenetic location: 3p25.3.
Variant type: single nucleotide variant.
Coding change: c.3319G>A on transcript NM_001080517.3 (MANE Select); coding-DNA position 3319, G replaced by A.
Protein change: p.Val1107Ile; replaces valine 1107 with isoleucine.
Molecular consequence: missense variant.
Genome position (GRCh38, 1-based): chr3:9,473,359, G>A. VCF-style: chr3-9473359-G-A. GRCh37 (hg19) VCF-style: chr3-9515043-G-A.
Other names: c.3319G>A (NM_001080517.1); c.3025G>A, p.Val1009Ile (NM_001292043.2, NM_001349451.2); short protein forms V1009I, V1107I.
Identifiers: ClinVar variation 1325517 (VCV001325517.6), dbSNP rs764498622, ClinGen allele CA2239663.

ClinVar aggregate classification (germline): Conflicting classifications of pathogenicity. Review status: criteria provided, conflicting classifications (1 of 4 stars). 4 submissions from 4 submitters: Uncertain significance (3); Likely benign (1). Last evaluated 2025-06-25.

Conditions:
Inborn genetic diseases. Identifiers: MedGen C0950123, MeSH D030342.
Intellectual disability-facial dysmorphism syndrome due to SETD5 haploinsufficiency (MRD23). Also called: Intellectual developmental disorder, autosomal dominant 23. Identifiers: Orphanet 404440, MedGen C3810406, MONDO:0014336, OMIM 615761.

Allele frequency attached by ClinVar (database versions not stated): ExAC 0.00003; gnomAD 0.00005; TOPMed 0.00006.
gnomAD v4.1: 41 of 1,613,904 alleles (0.0025%); highest among the groups gnomAD compares: Middle Eastern, 0.016%; no homozygotes.

Submissions (4):

Labcorp Genetics (formerly Invitae), Labcorp
Classification: Uncertain significance. Last evaluated: 2025-06-25. Review status: criteria provided, single submitter. Criteria: Invitae Variant Classification Sherloc (09022015). Collection method: clinical testing. Allele origin: germline.
Comment: This sequence change replaces valine, which is neutral and non-polar, with isoleucine, which is neutral and non-polar, at codon 1107 of the SETD5 protein (p.Val1107Ile). This variant is present in population databases (rs764498622, gnomAD 0.01%). This variant has not been reported in the literature in individuals affected with SETD5-related conditions. ClinVar contains an entry for this variant (Variation ID: 1325517). Invitae Evidence Modeling of protein sequence and biophysical properties (such as structural, functional, and spatial information, amino acid conservation, physicochemical variation, residue mobility, and thermodynamic stability) indicates that this missense variant is not expected to disrupt SETD5 protein function with a negative predictive value of 80%. In summary, the available evidence is currently insufficient to determine the role of this variant in disease. Therefore, it has been classified as a Variant of Uncertain Significance.

Ambry Genetics
Classification: Likely benign for Inborn genetic diseases. Last evaluated: 2025-02-22. Review status: criteria provided, single submitter. Criteria: Ambry Variant Classification Scheme 2023. Collection method: clinical testing. Allele origin: germline.

Blueprint Genetics
Classification: Uncertain significance. Last evaluated: 2023-03-24. Review status: criteria provided, single submitter. Criteria: ACMG Guidelines, 2015. Collection method: clinical testing. Allele origin: germline.

New York Genome Center
Classification: Uncertain significance for Intellectual disability-facial dysmorphism syndrome due to SETD5 haploinsufficiency. Last evaluated: 2020-06-11. Review status: criteria provided, single submitter. Criteria: NYGC Assertion Criteria 2020. Collection method: clinical testing. Allele origin: germline. Observed: 1 heterozygote. Study: CSER-NYCKidSeq.